The following is an entry in ClinVar:

ClinVar aggregate classification (germline): Uncertain significance (1 of 4 stars; one submission).

Conditions:
Inborn genetic diseases. Identifiers: MedGen C0950123, MeSH D030342.

gnomAD v4.1: 11 of 1,593,110 alleles (0.00069%); highest among the groups gnomAD compares: South Asian, 0.011%; no homozygotes.

Submission:

Ambry Genetics
Classification: Uncertain significance for Inborn genetic diseases. Last evaluated: 2024-12-24. Review status: criteria provided, single submitter. Criteria: Ambry Variant Classification Scheme 2023. Collection method: clinical testing. Allele origin: germline.
Comment: The p.M315I variant (also known as c.945G>A), located in coding exon 5 of the ERCC6L2 gene, results from a G to A substitution at nucleotide position 945. The methionine at codon 315 is replaced by isoleucine, an amino acid with highly similar properties. This amino acid position is conserved. In addition, the in silico prediction for this alteration is inconclusive. Based on the available evidence, the clinical significance of this variant remains unclear.

NM_020207.7(ERCC6L2):c.945G>A (p.Met315Ile)

Gene: ERCC6L2 (ERCC excision repair 6 like 2; plus strand). Cytogenetic location: 9q22.32.
Variant type: single nucleotide variant.
Coding change: c.945G>A on transcript NM_020207.7 (MANE Select); coding-DNA position 945, G replaced by A.
Protein change: p.Met315Ile; replaces methionine 315 with isoleucine.
Molecular consequence: missense variant. On other transcripts: non-coding transcript variant (1).
Genome position (GRCh38, 1-based): chr9:95,915,824, G>A. VCF-style: chr9-95915824-G-A. GRCh37 (hg19) VCF-style: chr9-98678106-G-A.
Other names: c.945G>A, p.Met315Ile (NM_001010895.4, NM_001375291.1, NM_001375292.1 and 2 more transcripts); short protein forms M315I.
Identifiers: ClinVar variation 3845826 (VCV003845826.1).
Genomic context (GRCh38, chr9:95,915,824, plus strand): 5'-CCGCATTGGCCTCACTGGAACCATCCTTCAGAACAACATGAAGGAACTGTGGTGTGTTAT[G>A]GACTGGTGAGAGAAAACACTTTTTAAAAAATTGTTTAATAGTTCTTCAGCTGAATACGGT-3'
Protein context (NP_064592.3, residues 305-325): QNNMKELWCV[Met315Ile]DWAVPGLLGS